The following is an entry in ClinVar:

ClinVar aggregate classification (germline): Uncertain significance (1 of 4 stars; one submission).

Submission:

Labcorp Genetics (formerly Invitae), Labcorp
Classification: Uncertain significance. Last evaluated: 2020-08-27. Review status: criteria provided, single submitter. Criteria: Invitae Variant Classification Sherloc (09022015). Collection method: clinical testing. Allele origin: germline.
Comment: This sequence change replaces glutamine with histidine at codon 1132 of the MSH3 protein (p.Gln1132His). The glutamine residue is weakly conserved and there is a small physicochemical difference between glutamine and histidine. This variant is not present in population databases (ExAC no frequency). This variant has not been reported in the literature in individuals with MSH3-related conditions. Algorithms developed to predict the effect of missense changes on protein structure and function (SIFT, PolyPhen-2, Align-GVGD) all suggest that this variant is likely to be tolerated, but these predictions have not been confirmed by published functional studies and their clinical significance is uncertain. In summary, the available evidence is currently insufficient to determine the role of this variant in disease. Therefore, it has been classified as a Variant of Uncertain Significance.

NM_002439.5(MSH3):c.3396G>T (p.Gln1132His)

Gene: MSH3 (mutS homolog 3; plus strand). Cytogenetic location: 5q14.1.
Variant type: single nucleotide variant.
Coding change: c.3396G>T on transcript NM_002439.5 (MANE Select); coding-DNA position 3396, G replaced by T.
Protein change: p.Gln1132His; replaces glutamine 1132 with histidine.
Molecular consequence: missense variant.
Genome position (GRCh38, 1-based): chr5:80,875,844, G>T. VCF-style: chr5-80875844-G-T. GRCh37 (hg19) VCF-style: chr5-80171663-G-T.
Other names: short protein forms Q1132H.
Identifiers: ClinVar variation 1020491 (VCV001020491.8), dbSNP rs1323971320, ClinGen allele CA360347482.